The following is an entry in ClinVar:

NM_000051.4(ATM):c.5978G>A (p.Ser1993Asn)

Genes: ATM (ATM serine/threonine kinase; plus strand), C11orf65 (chromosome 11 open reading frame 65; minus strand). Cytogenetic location: 11q22.3.
Variant type: single nucleotide variant.
Coding change: c.5978G>A on transcript NM_000051.4 (MANE Select); coding-DNA position 5978, G replaced by A.
Protein change: p.Ser1993Asn; replaces serine 1993 with asparagine.
Molecular consequence: missense variant. On other transcripts: intron variant (2).
Genome position (GRCh38, 1-based): chr11:108,312,470, G>A. VCF-style: chr11-108312470-G-A. GRCh37 (hg19) VCF-style: chr11-108183197-G-A.
Other names: c.5978G>A, p.Ser1993Asn (NM_001351834.2); c.641-3399C>T (NM_001330368.2); c.*39-3399C>T (NM_001351110.2); short protein forms S1993N.
Identifiers: ClinVar variation 1017720 (VCV001017720.9), dbSNP rs1406659883, ClinGen allele CA382548753.

ClinVar aggregate classification (germline): Uncertain significance (1 of 4 stars; one submission).

Conditions:
Ataxia-telangiectasia syndrome (AT). Also called: Ataxia telangiectasia (A-T); ATAXIA-TELANGIECTASIA, COMPLEMENTATION GROUP A; ATAXIA-TELANGIECTASIA, FRESNO VARIANT; Ataxia-telangiectasia; Ataxia-telangiectasia, complementation group E; LOUIS-BAR SYNDROME. Identifiers: Orphanet 100, MedGen C0004135, MONDO:0008840, OMIM 208900.

Submission:

Labcorp Genetics (formerly Invitae), Labcorp
Classification: Uncertain significance for Ataxia-telangiectasia syndrome. Last evaluated: 2025-07-30. Review status: criteria provided, single submitter. Criteria: Invitae Variant Classification Sherloc (09022015). Collection method: clinical testing. Allele origin: germline.
Comment: This sequence change replaces serine, which is neutral and polar, with asparagine, which is neutral and polar, at codon 1993 of the ATM protein (p.Ser1993Asn). This variant is not present in population databases (gnomAD no frequency). This variant has not been reported in the literature in individuals affected with ATM-related conditions. ClinVar contains an entry for this variant (Variation ID: 1017720). Invitae Evidence Modeling of protein sequence and biophysical properties (such as structural, functional, and spatial information, amino acid conservation, physicochemical variation, residue mobility, and thermodynamic stability) indicates that this missense variant is not expected to disrupt ATM protein function with a negative predictive value of 95%. In summary, the available evidence is currently insufficient to determine the role of this variant in disease. Therefore, it has been classified as a Variant of Uncertain Significance.